The following is an entry in ClinVar:

NM_001267550.2(TTN):c.97330C>T (p.Arg32444Cys)

Genes: TTN (titin; minus strand), TTN-AS1 (TTN antisense RNA 1; plus strand). Cytogenetic location: 2q31.2.
Variant type: single nucleotide variant.
Coding change: c.97330C>T on transcript NM_001267550.2 (MANE Select); coding-DNA position 97330, C replaced by T.
Protein change: p.Arg32444Cys; replaces arginine 32444 with cysteine.
Molecular consequence: missense variant.
Genome position (GRCh38, 1-based): chr2:178,542,426, G>A on the plus strand (C>T on the coding strand, the complement: TTN is on the minus strand). VCF-style: chr2-178542426-G-A. GRCh37 (hg19) VCF-style: chr2-179407153-G-A.
Other names: c.92407C>T, p.Arg30803Cys (NM_001256850.1); c.70135C>T, p.Arg23379Cys (NM_003319.4); c.89626C>T, p.Arg29876Cys (NM_133378.4); c.70510C>T, p.Arg23504Cys (NM_133432.3); c.70711C>T, p.Arg23571Cys (NM_133437.4); short protein forms R32444C, R23571C, R29876C, R23379C, R23504C, R30803C.
Identifiers: ClinVar variation 404978 (VCV000404978.4), dbSNP rs776164829, ClinGen allele CA1986575.
Genomic context (GRCh38, chr2:178,542,426, plus strand): 5'-GTCTGGTAAACTTAAACGTGGACCTAGTCACTGATTCAGAAACGGGCAGCCATCCTGGAC[G>A]ATGAGCGTCACGTTGTTCTACCACATAACCACTCAGTGGAGCACCACCGTCCAATTCAGG-3'
Protein context (NP_001254479.2, residues 32434-32454): GYVVEQRDAH[Arg32444Cys]PGWLPVSESV

ClinVar aggregate classification (germline): Uncertain significance. Review status: criteria provided, multiple submitters, no conflicts (2 of 4 stars). 2 submissions from 2 submitters: Uncertain significance (2). Last evaluated 2026-08-19.

Conditions:
TTN-related disorder. Also called: TTN-related disorders; TTN-related condition; TTN-related disease.
Autosomal recessive limb-girdle muscular dystrophy type 2J (LGMDR10). Also called: Limb-girdle muscular dystrophy, type 2J; MUSCULAR DYSTROPHY, LIMB-GIRDLE, AUTOSOMAL RECESSIVE 10. Identifiers: Orphanet 140922, MedGen C1837342, MONDO:0012127, OMIM 608807.
Dilated cardiomyopathy 1G (CMD1G). Identifiers: Orphanet 154, MedGen C1858763, MONDO:0011400, OMIM 604145.

Allele frequency attached by ClinVar (database versions not stated): ExAC 0.00001; gnomAD 0.00002 and 0.00003; gnomAD exomes 0.00002; TOPMed 0.00002.
gnomAD v4.1: 35 of 1,613,558 alleles (0.0022%); highest among the groups gnomAD compares: Middle Eastern, 0.016%; no homozygotes.

Submissions (2):

PreventionGenetics, part of Exact Sciences
Classification: Uncertain significance for TTN-related condition. Last evaluated: 2026-08-19. Review status: criteria provided, single submitter. Criteria: ACMG Guidelines, 2015. Collection method: clinical testing. Allele origin: germline.
Comment: The TTN c.97330C>T variant is predicted to result in the amino acid substitution p.Arg32444Cys. To our knowledge, this variant has not been reported in the literature. This variant is reported in 0.00078% of alleles in individuals of European (Non-Finnish) descent in gnomAD. At this time, the clinical significance of this variant is uncertain due to the absence of conclusive functional and genetic evidence.

Labcorp Genetics (formerly Invitae), Labcorp
Classification: Uncertain significance for Dilated cardiomyopathy 1G; Autosomal recessive limb-girdle muscular dystrophy type 2J. Last evaluated: 2017-06-04. Review status: criteria provided, single submitter. Criteria: Invitae Variant Classification Sherloc (09022015). Collection method: clinical testing. Allele origin: germline.